The following is an entry in ClinVar:

ClinVar aggregate classification (germline): Pathogenic (1 of 4 stars; one submission).

Submission:

Labcorp Genetics (formerly Invitae), Labcorp
Classification: Pathogenic. Last evaluated: 2024-03-19. Review status: criteria provided, single submitter. Criteria: Invitae Variant Classification Sherloc (09022015). Collection method: clinical testing. Allele origin: germline.
Comment: This sequence change creates a premature translational stop signal (p.Lys107Argfs*19) in the MSH3 gene. It is expected to result in an absent or disrupted protein product. Loss-of-function variants in MSH3 are known to be pathogenic (PMID: 27476653, 37402566). This variant is not present in population databases (gnomAD no frequency). This variant has not been reported in the literature in individuals affected with MSH3-related conditions. For these reasons, this variant has been classified as Pathogenic.

Literature cited by the submitters: PubMed 27476653; PubMed 37402566.

NM_002439.5(MSH3):c.320del (p.Lys107fs)

Gene: MSH3 (mutS homolog 3; plus strand). Cytogenetic location: 5q14.1.
Variant type: Deletion.
Coding change: c.320del on transcript NM_002439.5 (MANE Select); coding-DNA position 320, one base deleted (A; older notation c.320delA).
Protein change: p.Lys107fs; shifts the reading frame from lysine 107.
Molecular consequence: frameshift variant.
Genome position (GRCh38, 1-based): chr5:80,656,493, A deleted; the last of 4 consecutive A bases (chr5:80,656,490-80,656,493); deleting any one gives the same sequence. VCF-style (leftmost placement, unchanged base first): chr5-80656489-CA-C. GRCh37 (hg19) VCF-style: chr5-79952308-CA-C.
Other names: short protein forms K107fs.
Identifiers: ClinVar variation 3646700 (VCV003646700.2).